The following is an entry in ClinVar:

ClinVar aggregate classification (germline): Benign/Likely benign. Review status: criteria provided, multiple submitters, no conflicts (2 of 4 stars). 5 submissions from 4 submitters: Benign (2); Likely benign (3). Last evaluated 2024-11-13.

Conditions:
Neural tube defect (NTD). Also called: Neural tube defects. Identifiers: Orphanet 3388, Orphanet 823, MedGen C0027794, MONDO:0018075, HP:0045005.
Sacral defect with anterior meningocele. Identifiers: MedGen C1838568, OMIM 600145.

Allele frequency attached by ClinVar (database versions not stated): 1000 Genomes Project 30x 0.00265; 1000 Genomes Project 0.00300; ExAC 0.00074; gnomAD exomes 0.00089 and 0.00136; ESP Exome Variant Server 0.00108; gnomAD 0.00154 and 0.00157; TOPMed 0.00237.
gnomAD v4.1: 2,239 of 1,614,166 alleles (0.14%); highest among the groups gnomAD compares: Admixed American, 0.32%; 4 homozygotes.

Submissions (5):

Blueprint Genetics
Classification: Likely benign. Last evaluated: 2024-11-13. Review status: criteria provided, single submitter. Criteria: ACMG Guidelines, 2015. Collection method: clinical testing. Allele origin: germline.

CeGaT Center for Human Genetics Tuebingen
Classification: Benign. Last evaluated: 2022-06-01. Review status: criteria provided, single submitter. Criteria: CeGaT Center For Human Genetics Tuebingen Variant Classification Criteria Version 2. Collection method: clinical testing. Allele origin: germline. Affected: yes. Observed: 1 variant allele.
Comment: VANGL1: BS1, BS2

Illumina Laboratory Services, Illumina
Classification: Likely benign for Neural tube defects, susceptibility to. Last evaluated: 2017-04-28. Review status: criteria provided, single submitter. Criteria: ICSL Variant Classification Criteria 13 December 2019. Collection method: clinical testing. Allele origin: germline.
Comment: This variant was observed as part of a predisposition screen in an ostensibly healthy population. A literature search was performed for the gene, cDNA change, and amino acid change (where applicable). Publications were found based on this search. The evidence from the literature, in combination with allele frequency data from public databases where available, was sufficient to determine this variant is unlikely to cause disease. Therefore, this variant is classified as likely benign.

Illumina Laboratory Services, Illumina
Classification: Benign for Sacral defect with anterior meningocele. Last evaluated: 2017-04-28. Review status: criteria provided, single submitter. Criteria: ICSL Variant Classification Criteria 13 December 2019. Collection method: clinical testing. Allele origin: germline.
Comment: This variant was observed as part of a predisposition screen in an ostensibly healthy population. A literature search was performed for the gene, cDNA change, and amino acid change (where applicable). No publications were found based on this search. Allele frequency data from public databases was too high to be consistent with this variant causing disease. Therefore, this variant is classified as benign.

Center for Pediatric Genomic Medicine, Children's Mercy Hospital and Clinics
Classification: Likely benign. Last evaluated: 2017-03-08. Review status: criteria provided, single submitter. Criteria: ACMG Guidelines, 2015. Collection method: clinical testing. Allele origin: germline.

Literature cited by the submitters: PubMed 25208524 (cited by Illumina Laboratory Services, Illumina).

NM_138959.3(VANGL1):c.323A>G (p.Lys108Arg)

Gene: VANGL1 (VANGL planar cell polarity protein 1; plus strand). Cytogenetic location: 1p13.1.
Variant type: single nucleotide variant.
Coding change: c.323A>G on transcript NM_138959.3 (MANE Select); coding-DNA position 323, A replaced by G.
Protein change: p.Lys108Arg; replaces lysine 108 with arginine.
Molecular consequence: missense variant.
Genome position (GRCh38, 1-based): chr1:115,663,779, A>G. VCF-style: chr1-115663779-A-G. GRCh37 (hg19) VCF-style: chr1-116206400-A-G.
Other names: c.317A>G, p.Lys106Arg (NM_001172411.2); c.323A>G, p.Lys108Arg (NM_001172412.2); short protein forms K108R, K106R.
Identifiers: ClinVar variation 446031 (VCV000446031.31), dbSNP rs141673853, ClinGen allele CA1023214.